The following is an entry in ClinVar:

ClinVar aggregate classification (germline): Likely benign (1 of 4 stars; one submission).

gnomAD v4.1: 70 of 1,613,904 alleles (0.0043%); highest among the groups gnomAD compares: South Asian, 0.058%; 1 homozygote.

Submission:

CeGaT Center for Human Genetics Tuebingen
Classification: Likely benign. Last evaluated: 2025-03-01. Review status: criteria provided, single submitter. Criteria: CeGaT Center For Human Genetics Tuebingen Variant Classification Criteria Version 2. Collection method: clinical testing. Allele origin: germline. Affected: yes. Observed: 1 variant allele.
Comment: HDAC9: BP4

NM_178425.4(HDAC9):c.3068G>C (p.Cys1023Ser)

Gene: HDAC9 (histone deacetylase 9; plus strand). Cytogenetic location: 7p21.1.
Variant type: single nucleotide variant.
Coding change: c.3068G>C on transcript NM_178425.4 (MANE Select); coding-DNA position 3068, G replaced by C.
Protein change: p.Cys1023Ser; replaces cysteine 1023 with serine.
Molecular consequence: missense variant.
Genome position (GRCh38, 1-based): chr7:18,975,851, G>C. VCF-style: chr7-18975851-G-C. GRCh37 (hg19) VCF-style: chr7-19015474-G-C.
Other names: c.2993G>C, p.Cys998Ser (NM_001321868.2); c.2936G>C, p.Cys979Ser (NM_001321877.2, NM_001321897.2); c.3059G>C, p.Cys1020Ser (NM_178423.3); short protein forms C1020S, C1023S, C979S, C998S.
Identifiers: ClinVar variation 3778161 (VCV003778161.7).